The following is an entry in ClinVar:

NM_207037.2(TCF12):c.1961T>C (p.Leu654Pro)

Gene: TCF12 (transcription factor 12; plus strand). Cytogenetic location: 15q21.3.
Variant type: single nucleotide variant.
Coding change: c.1961T>C on transcript NM_207037.2 (MANE Select); coding-DNA position 1961, T replaced by C.
Protein change: p.Leu654Pro; replaces leucine 654 with proline.
Molecular consequence: missense variant.
Genome position (GRCh38, 1-based): chr15:57,273,245, T>C. VCF-style: chr15-57273245-T-C. GRCh37 (hg19) VCF-style: chr15-57565443-T-C.
Other names: c.1451T>C, p.Leu484Pro (NM_001306219.3); c.1181T>C, p.Leu394Pro (NM_001306220.3); c.1961T>C, p.Leu654Pro (NM_001322151.2, NM_001322159.3, NM_001322162.2 and 1 more transcripts); c.1958T>C, p.Leu653Pro (NM_001322152.2, NM_001322161.2); c.1304T>C, p.Leu435Pro (NM_001322154.2); c.1787T>C, p.Leu596Pro (NM_001322156.2); c.1889T>C, p.Leu630Pro (NM_001322157.3, NM_001322165.2, NM_003205.4 and 1 more transcripts); c.1715T>C, p.Leu572Pro (NM_001322158.2); and 2 more; short protein forms L394P, L435P, L460P, L484P, L572P, L596P, L630P, L642P.
Identifiers: ClinVar variation 2630271 (VCV002630271.1), dbSNP rs2551501449, ClinGen allele CA392593289.

ClinVar aggregate classification (germline): Uncertain significance (1 of 4 stars; one submission).

Conditions:
TCF12-related disorder. Also called: TCF12-related condition.

Submission:

PreventionGenetics, part of Exact Sciences
Classification: Uncertain significance for TCF12-related condition. Last evaluated: 2023-02-16. Review status: criteria provided, single submitter. Criteria: ACMG Guidelines, 2015. Collection method: clinical testing. Allele origin: germline.
Comment: The TCF12 c.1961T>C variant is predicted to result in the amino acid substitution p.Leu654Pro. To our knowledge, this variant has not been reported in the literature or in a large population database, indicating this variant is rare. At this time, the clinical significance of this variant is uncertain due to the absence of conclusive functional and genetic evidence.